The following is an entry in ClinVar:

NM_177438.3(DICER1):c.3094-12C>T

Gene: DICER1 (dicer 1, ribonuclease III; minus strand). Cytogenetic location: 14q32.13.
Variant type: single nucleotide variant.
Coding change: c.3094-12C>T on transcript NM_177438.3 (MANE Select); 12 bases into the intron before coding-DNA position 3094, C replaced by T.
Molecular consequence: intron variant.
Genome position (GRCh38, 1-based): chr14:95,105,258, G>A on the plus strand (C>T on the coding strand, the complement: DICER1 is on the minus strand). VCF-style: chr14-95105258-G-A. GRCh37 (hg19) VCF-style: chr14-95571595-G-A.
Other names: c.3094-12C>T (NM_001291628.2, NM_030621.4, NM_001395677.1 and 12 more transcripts); c.2689-12C>T (NM_001395690.1, NM_001395687.1, NM_001395689.1 and 2 more transcripts); c.2812-12C>T (NM_001395686.1); c.2527-12C>T (NM_001395691.1); c.1411-12C>T (NM_001395697.1).
Identifiers: ClinVar variation 2022892 (VCV002022892.5), dbSNP rs1891311661, ClinGen allele CA2156307637.

ClinVar aggregate classification (germline): Likely benign. Review status: criteria provided, multiple submitters, no conflicts (2 of 4 stars). 2 submissions from 2 submitters: Likely benign (2). Last evaluated 2026-08-17.

Conditions:
DICER1-related tumor predisposition. Also called: DICER1-related pleuropulmonary blastoma cancer predisposition syndrome; DICER1 syndrome. Identifiers: Orphanet 284343, MedGen C3839822, MONDO:0100216.

Allele frequency attached by ClinVar (database versions not stated): gnomAD exomes below 0.00001.
gnomAD v4.1: 2 of 1,611,330 alleles (0.00012%); highest among the groups gnomAD compares: Non-Finnish European, 0.00017%; no homozygotes.

Submissions (2):

Myriad Genetics, Inc.
Classification: Likely benign for DICER1-related tumor predisposition. Last evaluated: 2026-08-17. Review status: criteria provided, single submitter. Criteria: Myriad Autosomal Dominant, Autosomal Recessive and X-Linked Classification Criteria (2023). Collection method: clinical testing. Allele origin: unknown.
Comment: This variant is considered likely benign. This variant is intronic and is not expected to impact mRNA splicing.

Labcorp Genetics (formerly Invitae), Labcorp
Classification: Likely benign for DICER1-related tumor predisposition. Last evaluated: 2022-08-09. Review status: criteria provided, single submitter. Criteria: Invitae Variant Classification Sherloc (09022015). Collection method: clinical testing. Allele origin: germline.